The following is an entry in ClinVar:

ClinVar aggregate classification (germline): Conflicting classifications of pathogenicity. Review status: criteria provided, conflicting classifications (1 of 4 stars). 3 submissions from 3 submitters: Uncertain significance (1); Likely benign (2). Last evaluated 2026-07-10.

Conditions:
3-methylglutaconic aciduria, type VIIB (MGCA7B). Also called: CLPB Deficiency; 3-methylglutaconic aciduria, type VII, with cataracts, neurologic involvement and neutropenia; 3-methylglutaconic aciduria with cataracts, neurologic involvement and neutropenia. Identifiers: Orphanet 445038, MedGen C5676893, MONDO:0014561, OMIM 616271.
Inborn genetic diseases. Identifiers: MedGen C0950123, MeSH D030342.

Allele frequency attached by ClinVar (database versions not stated): ExAC 0.00001; TOPMed 0.00002; gnomAD 0.00001; gnomAD exomes 0.00001.
gnomAD v4.1: 17 of 1,607,550 alleles (0.0011%); highest among the groups gnomAD compares: Middle Eastern, 0.05%; no homozygotes.

Submissions (3):

Ambry Genetics
Classification: Uncertain significance for Inborn genetic diseases. Last evaluated: 2026-07-10. Review status: criteria provided, single submitter. Criteria: Ambry Variant Classification Scheme 2023. Collection method: clinical testing. Allele origin: germline.
Comment: The c.1876-5G>A intronic alteration consists of a G to A substitution 5 nucleotides before exon 17 of the CLPB gene. Based on data from gnomAD, the A allele has an overall frequency of 0.001% (2/248338) total alleles studied. The highest observed frequency was 0.002% (2/111894) of European (non-Finnish) alleles. Based on insufficient or conflicting evidence, the clinical significance of this alteration remains unclear.

Women's Health and Genetics/Laboratory Corporation of America, LabCorp
Classification: Likely benign. Last evaluated: 2025-06-19. Review status: criteria provided, single submitter. Criteria: LabCorp Variant Classification Summary - May 2015. Collection method: clinical testing. Allele origin: germline.

Labcorp Genetics (formerly Invitae), Labcorp
Classification: Likely benign for 3-methylglutaconic aciduria, type VIIB. Last evaluated: 2025-06-09. Review status: criteria provided, single submitter. Criteria: Invitae Variant Classification Sherloc (09022015). Collection method: clinical testing. Allele origin: germline.

NM_001258392.3(CLPB):c.1786-5G>A

Gene: CLPB (ClpB family mitochondrial disaggregase; minus strand). Cytogenetic location: 11q13.4.
Variant type: single nucleotide variant.
Coding change: c.1786-5G>A on transcript NM_001258392.3 (MANE Select); 5 bases into the intron before coding-DNA position 1786, G replaced by A.
Molecular consequence: intron variant.
Genome position (GRCh38, 1-based): chr11:72,293,620, C>T on the plus strand (G>A on the coding strand, the complement: CLPB is on the minus strand). VCF-style: chr11-72293620-C-T. GRCh37 (hg19) VCF-style: chr11-72004664-C-T.
Other names: c.1876-5G>A (NM_030813.3, NM_030813.6); c.1699-5G>A (NM_001258393.3); c.1741-5G>A (NM_001258394.3).
Identifiers: ClinVar variation 1619635 (VCV001619635.10), dbSNP rs756715990, ClinGen allele CA6171026.
Genomic context (GRCh38, chr11:72,293,620, plus strand): 5'-GGCAGCAGGTCCTGCTCATAGGCTGCTGCCAGCTGGTTCACCACACGGCGTTCTACCTGT[C>T]GGTGGGGAGGTGAAGTGGTCACTCCCTCGGCCTGGACCCAGCTTGGAGGTCGGCCTCCAT-3'